The following is an entry in ClinVar:

ClinVar aggregate classification (germline): Uncertain significance. Review status: criteria provided, single submitter (1 of 4 stars). 2 submissions from 2 submitters: Uncertain significance (1). 1 of the submissions does not count toward it. Last evaluated 2023-08-17.

Conditions:
Rubinstein-Taybi syndrome due to EP300 haploinsufficiency. Also called: EP300-Related Rubinstein-Taybi Syndrome; RUBINSTEIN-TAYBI SYNDROME 2. Identifiers: Orphanet 353284, Orphanet 783, MedGen C3150941, MONDO:0013364, OMIM 613684.
EP300-related disorder. Also called: EP300-related condition; EP300-related disorders.

Allele frequency attached by ClinVar (database versions not stated): gnomAD 0.00001; TOPMed 0.00003.

Submissions (2):

Labcorp Genetics (formerly Invitae), Labcorp
Classification: Uncertain significance for Rubinstein-Taybi syndrome due to EP300 haploinsufficiency. Last evaluated: 2023-08-17. Review status: criteria provided, single submitter. Criteria: Invitae Variant Classification Sherloc (09022015). Collection method: clinical testing. Allele origin: germline.
Comment: This variant has not been reported in the literature in individuals affected with EP300-related conditions. Advanced modeling of protein sequence and biophysical properties (such as structural, functional, and spatial information, amino acid conservation, physicochemical variation, residue mobility, and thermodynamic stability) performed at Invitae indicates that this missense variant is not expected to disrupt EP300 protein function. In summary, the available evidence is currently insufficient to determine the role of this variant in disease. Therefore, it has been classified as a Variant of Uncertain Significance. This variant is not present in population databases (gnomAD no frequency). This sequence change replaces methionine, which is neutral and non-polar, with valine, which is neutral and non-polar, at codon 1956 of the EP300 protein (p.Met1956Val).

PreventionGenetics, part of Exact Sciences
Classification: Uncertain significance for EP300-related condition. Last evaluated: 2024-07-08. Review status: no assertion criteria provided. Collection method: clinical testing. Allele origin: germline. Not counted in ClinVar's aggregate classification.
Comment: The EP300 c.5866A>G variant is predicted to result in the amino acid substitution p.Met1956Val. To our knowledge, this variant has not been reported in the literature or in a large population database, indicating this variant is rare. At this time, the clinical significance of this variant is uncertain due to the absence of conclusive functional and genetic evidence.

NM_001429.4(EP300):c.5866A>G (p.Met1956Val)

Gene: EP300 (EP300 lysine acetyltransferase; plus strand). Cytogenetic location: 22q13.2.
Variant type: single nucleotide variant.
Coding change: c.5866A>G on transcript NM_001429.4 (MANE Select); coding-DNA position 5866, A replaced by G.
Protein change: p.Met1956Val; replaces methionine 1956 with valine.
Molecular consequence: missense variant.
Genome position (GRCh38, 1-based): chr22:41,177,577, A>G. VCF-style: chr22-41177577-A-G. GRCh37 (hg19) VCF-style: chr22-41573581-A-G.
Other names: c.5866A>G (NM_001429.3); c.5788A>G, p.Met1930Val (NM_001362843.2); short protein forms M1956V, M1930V.
Identifiers: ClinVar variation 2917310 (VCV002917310.3), dbSNP rs1311637459, ClinGen allele CA411710176.